The following is an entry in ClinVar:

NM_001783.4(CD79A):c.179A>G (p.Asn60Ser)

Genes: CD79A (CD79a molecule; plus strand), RPS19-CD79A (RPS19-CD79A readthrough; plus strand). Cytogenetic location: 19q13.2.
Variant type: single nucleotide variant.
Coding change: c.179A>G on transcript NM_001783.4 (MANE Select); coding-DNA position 179, A replaced by G.
Protein change: p.Asn60Ser; replaces asparagine 60 with serine.
Molecular consequence: missense variant.
Genome position (GRCh38, 1-based): chr19:41,879,089, A>G. VCF-style: chr19-41879089-A-G. GRCh37 (hg19) VCF-style: chr19-42383159-A-G.
Other names: c.179A>G, p.Asn60Ser (NM_021601.4); c.179A>G (NM_001783.3); short protein forms N60S.
Identifiers: ClinVar variation 1003780 (VCV001003780.7), dbSNP rs370313642, ClinGen allele CA9465531.

ClinVar aggregate classification (germline): Uncertain significance. Review status: criteria provided, multiple submitters, no conflicts (2 of 4 stars). 2 submissions from 2 submitters: Uncertain significance (2). Last evaluated 2024-12-05.

Conditions:
Agammaglobulinemia 3, autosomal recessive (AGM3). Also called: AGAMMAGLOBULINEMIA 3; AGAMMAGLOBULINEMIA, AUTOSOMAL RECESSIVE, DUE TO CD79A DEFECT. Identifiers: MedGen C3150751, MONDO:0013288, OMIM 613501.

Allele frequency attached by ClinVar (database versions not stated): ExAC 0.00001; gnomAD exomes 0.00001 and 0.00002; gnomAD 0.00009 and 0.00011; TOPMed 0.00013; ESP Exome Variant Server 0.00023.
gnomAD v4.1: 25 of 1,613,976 alleles (0.0015%); highest among the groups gnomAD compares: African/African-American, 0.028%; no homozygotes.

Submissions (2):

Ambry Genetics
Classification: Uncertain significance. Last evaluated: 2024-12-05. Review status: criteria provided, single submitter. Criteria: Ambry Variant Classification Scheme 2023. Collection method: clinical testing. Allele origin: germline.

Labcorp Genetics (formerly Invitae), Labcorp
Classification: Uncertain significance for Agammaglobulinemia 3, autosomal recessive. Last evaluated: 2022-08-21. Review status: criteria provided, single submitter. Criteria: Invitae Variant Classification Sherloc (09022015). Collection method: clinical testing. Allele origin: germline.
Comment: This sequence change replaces asparagine, which is neutral and polar, with serine, which is neutral and polar, at codon 60 of the CD79A protein (p.Asn60Ser). This variant is present in population databases (rs370313642, gnomAD 0.01%). This variant has not been reported in the literature in individuals affected with CD79A-related conditions. ClinVar contains an entry for this variant (Variation ID: 1003780). Algorithms developed to predict the effect of missense changes on protein structure and function (SIFT, PolyPhen-2, Align-GVGD) all suggest that this variant is likely to be tolerated. In summary, the available evidence is currently insufficient to determine the role of this variant in disease. Therefore, it has been classified as a Variant of Uncertain Significance.